The following is an entry in ClinVar:

NM_000059.4(BRCA2):c.7538C>T (p.Ala2513Val)

Gene: BRCA2 (BRCA2 DNA repair associated; plus strand). Cytogenetic location: 13q13.1.
Variant type: single nucleotide variant.
Coding change: c.7538C>T on transcript NM_000059.4 (MANE Select); coding-DNA position 7538, C replaced by T.
Protein change: p.Ala2513Val; replaces alanine 2513 with valine.
Molecular consequence: missense variant.
Genome position (GRCh38, 1-based): chr13:32,356,530, C>T. VCF-style: chr13-32356530-C-T. GRCh37 (hg19) VCF-style: chr13-32930667-C-T.
Other names: c.7442C>T, p.Ala2481Val (NM_001406719.1); c.7538C>T, p.Ala2513Val (NM_001406720.1); c.2606C>T, p.Ala869Val (NM_001406721.1); c.1121C>T, p.Ala374Val (NM_001406722.1); short protein forms A2481V, A2513V, A374V, A869V.
Identifiers: ClinVar variation 1759407 (VCV001759407.8), dbSNP rs1060502401, ClinGen allele CA387743619.

ClinVar aggregate classification (germline): Conflicting classifications of pathogenicity. Review status: criteria provided, conflicting classifications (1 of 4 stars). 2 submissions from 2 submitters: Uncertain significance (1); Likely benign (1). Last evaluated 2025-04-25.

Conditions:
Hereditary cancer-predisposing syndrome. Also called: Neoplastic Syndromes, Hereditary; Tumor predisposition; Hereditary Cancer Syndrome; Hereditary neoplastic syndrome. Identifiers: Orphanet 140162, MedGen C0027672, MeSH D009386, MONDO:0015356.
Hereditary breast ovarian cancer syndrome. Also called: Hereditary breast and/or ovarian cancer syndrome; Hereditary breast and ovarian cancer syndrome; Breast and ovarian cancer; Hereditary breast and ovarian cancer; BRCA1- and BRCA2-Associated Hereditary Breast and Ovarian Cancer; Hereditary breast and ovarian cancer syndrome (HBOC). Identifiers: Orphanet 145, MedGen C0677776, MeSH D061325, MONDO:0003582. Disease mechanism: loss of function.

gnomAD v4.1: 2 of 1,614,214 alleles (0.00012%); highest among the groups gnomAD compares: Admixed American, 0.0017%; no homozygotes.

Submissions (2):

Ambry Genetics
Classification: Likely benign for Hereditary cancer-predisposing syndrome. Last evaluated: 2025-04-25. Review status: criteria provided, single submitter. Criteria: Ambry Variant Classification Scheme 2023. Collection method: clinical testing. Allele origin: germline.

Labcorp Genetics (formerly Invitae), Labcorp
Classification: Uncertain significance for Hereditary breast ovarian cancer syndrome. Last evaluated: 2024-06-21. Review status: criteria provided, single submitter. Criteria: Invitae Variant Classification Sherloc (09022015). Collection method: clinical testing. Allele origin: germline.
Comment: This sequence change replaces alanine, which is neutral and non-polar, with valine, which is neutral and non-polar, at codon 2513 of the BRCA2 protein (p.Ala2513Val). This variant is present in population databases (no rsID available, gnomAD 0.003%). This variant has not been reported in the literature in individuals affected with BRCA2-related conditions. ClinVar contains an entry for this variant (Variation ID: 1759407). Advanced modeling of protein sequence and biophysical properties (such as structural, functional, and spatial information, amino acid conservation, physicochemical variation, residue mobility, and thermodynamic stability) performed at Invitae indicates that this missense variant is not expected to disrupt BRCA2 protein function with a negative predictive value of 95%. In summary, the available evidence is currently insufficient to determine the role of this variant in disease. Therefore, it has been classified as a Variant of Uncertain Significance.